The following is an entry in ClinVar:

NM_005359.6(SMAD4):c.673C>T (p.Pro225Ser)

Gene: SMAD4 (SMAD family member 4; plus strand). Cytogenetic location: 18q21.2.
Variant type: single nucleotide variant.
Coding change: c.673C>T on transcript NM_005359.6 (MANE Select); coding-DNA position 673, C replaced by T.
Protein change: p.Pro225Ser; replaces proline 225 with serine.
Molecular consequence: missense variant.
Genome position (GRCh38, 1-based): chr18:51,058,130, C>T. VCF-style: chr18-51058130-C-T. GRCh37 (hg19) VCF-style: chr18-48584500-C-T.
Other names: short protein forms P225S.
Identifiers: ClinVar variation 1499047 (VCV001499047.8), dbSNP rs2144426638, ClinGen allele CA402462603.
Genomic context (GRCh38, chr18:51,058,130, plus strand): 5'-AATCATAAGATGACATCTATGAATGTACCATGTTAATGTCTTCTTGTTCCTCTAGGTCAG[C>T]CTGCCAGTATACTGGGGGGCAGCCATAGTGAAGGACTGTTGCAGATAGCATCAGGGCCTC-3'
Protein context (NP_005350.1, residues 215-235): PNIPVASTSQ[Pro225Ser]ASILGGSHSE

ClinVar aggregate classification (germline): Uncertain significance. Review status: criteria provided, multiple submitters, no conflicts (2 of 4 stars). 3 submissions from 3 submitters: Uncertain significance (3). Last evaluated 2024-01-31.

Conditions:
Juvenile polyposis syndrome (JPS). Identifiers: Orphanet 2929, MedGen C0345893, MONDO:0017380, OMIM 174900.
Familial thoracic aortic aneurysm and aortic dissection (TAAD). Also called: Thoracic aortic aneurysms and dissections. Identifiers: Orphanet 91387, MedGen C4707243, MONDO:0019625.
Hereditary cancer-predisposing syndrome. Also called: Neoplastic Syndromes, Hereditary; Tumor predisposition; Hereditary Cancer Syndrome; Hereditary neoplastic syndrome. Identifiers: Orphanet 140162, MedGen C0027672, MeSH D009386, MONDO:0015356.
Juvenile polyposis/hereditary hemorrhagic telangiectasia syndrome (JPHT). Also called: Juvenile Polyposis Syndrome / Hereditary Hemorrhagic Telangiectasia (JPS/HHT); JP/HHT SYNDROME; JUVENILE POLYPOSIS WITH HEREDITARY HEMORRHAGIC TELANGIECTASIA; POLYPOSIS, GENERALIZED JUVENILE, WITH PULMONARY ARTERIOVENOUS MALFORMATION; TELANGIECTASIA, HEREDITARY HEMORRHAGIC, WITH JUVENILE POLYPOSIS COLI. Identifiers: Orphanet 2929, MedGen C1832942, MONDO:0008278, OMIM 175050.

Submissions (3):

Baylor Genetics
Classification: Uncertain significance for Juvenile polyposis/hereditary hemorrhagic telangiectasia syndrome. Last evaluated: 2024-01-31. Review status: criteria provided, single submitter. Criteria: ACMG Guidelines, 2015. Collection method: clinical testing. Allele origin: unknown.

Labcorp Genetics (formerly Invitae), Labcorp
Classification: Uncertain significance for Juvenile polyposis syndrome. Last evaluated: 2021-08-31. Review status: criteria provided, single submitter. Criteria: Invitae Variant Classification Sherloc (09022015). Collection method: clinical testing. Allele origin: germline.
Comment: This sequence change replaces proline with serine at codon 225 of the SMAD4 protein (p.Pro225Ser). The proline residue is highly conserved and there is a moderate physicochemical difference between proline and serine. This variant is not present in population databases (ExAC no frequency). This variant has not been reported in the literature in individuals affected with SMAD4-related conditions. Advanced modeling of protein sequence and biophysical properties (such as structural, functional, and spatial information, amino acid conservation, physicochemical variation, residue mobility, and thermodynamic stability) performed at Invitae indicates that this missense variant is not expected to disrupt SMAD4 protein function. In summary, the available evidence is currently insufficient to determine the role of this variant in disease. Therefore, it has been classified as a Variant of Uncertain Significance.

Ambry Genetics
Classification: Uncertain significance for Hereditary cancer-predisposing syndrome; Familial thoracic aortic aneurysm and aortic dissection. Last evaluated: 2021-01-04. Review status: criteria provided, single submitter. Criteria: Ambry Variant Classification Scheme 2023. Collection method: clinical testing. Allele origin: germline.
Comment: The p.P225S variant (also known as c.673C>T), located in coding exon 5 of the SMAD4 gene, results from a C to T substitution at nucleotide position 673. The proline at codon 225 is replaced by serine, an amino acid with similar properties. This amino acid position is highly conserved in available vertebrate species. In addition, the in silico prediction for this alteration is inconclusive. Since supporting evidence is limited at this time, the clinical significance of this alteration remains unclear.